The following is an entry in ClinVar:

NM_020975.6(RET):c.2294C>T (p.Ser765Phe)

Gene: RET (ret proto-oncogene; plus strand). Cytogenetic location: 10q11.21.
Variant type: single nucleotide variant.
Coding change: c.2294C>T on transcript NM_020975.6 (MANE Select); coding-DNA position 2294, C replaced by T.
Protein change: p.Ser765Phe; replaces serine 765 with phenylalanine.
Molecular consequence: missense variant.
Genome position (GRCh38, 1-based): chr10:43,118,382, C>T. VCF-style: chr10-43118382-C-T. GRCh37 (hg19) VCF-style: chr10-43613830-C-T.
Other names: c.2294C>T, p.Ser765Phe (NM_000323.2, NM_001406743.1, NM_001406744.1 and 4 more transcripts); c.1532C>T, p.Ser511Phe (NM_001355216.2); c.2165C>T, p.Ser722Phe (NM_001406761.1, NM_001406762.1, NM_001406764.1); c.2159C>T, p.Ser720Phe (NM_001406763.1, NM_001406765.1); c.2006C>T, p.Ser669Phe (NM_001406766.1, NM_001406767.1, NM_001406770.1); c.2030C>T, p.Ser677Phe (NM_001406768.1); c.1898C>T, p.Ser633Phe (NM_001406769.1, NM_001406772.1); c.1856C>T, p.Ser619Phe (NM_001406771.1, NM_001406773.1); and 10 more; short protein forms S511F, S765F, S282F, S619F, S669F, S423F, S426F, S633F.
Identifiers: ClinVar variation 848847 (VCV000848847.14), dbSNP rs1442097853, ClinGen allele CA376555555.

ClinVar aggregate classification (germline): Uncertain significance. Review status: criteria provided, multiple submitters, no conflicts (2 of 4 stars). 3 submissions from 3 submitters: Uncertain significance (3). Last evaluated 2025-09-19.

Conditions:
Hereditary cancer-predisposing syndrome. Also called: Tumor predisposition; Neoplastic Syndromes, Hereditary; Hereditary neoplastic syndrome; Hereditary Cancer Syndrome. Identifiers: Orphanet 140162, MedGen C0027672, MeSH D009386, MONDO:0015356.
Multiple endocrine neoplasia, type 2 (MEN2). Identifiers: Orphanet 653, MedGen C4048306, MONDO:0019003. Disease mechanism: gain of function.

Allele frequency attached by ClinVar (database versions not stated): TOPMed below 0.00001; gnomAD 0.00001.
gnomAD v4.1: 2 of 1,613,730 alleles (0.00012%); highest among the groups gnomAD compares: Non-Finnish European, 0.000085%; no homozygotes.

Submissions (3):

Ambry Genetics
Classification: Uncertain significance for Hereditary cancer-predisposing syndrome. Last evaluated: 2025-09-19. Review status: criteria provided, single submitter. Criteria: Ambry Variant Classification Scheme 2023. Collection method: clinical testing. Allele origin: germline.
Comment: The p.S765F variant (also known as c.2294C>T), located in coding exon 13 of the RET gene, results from a C to T substitution at nucleotide position 2294. The serine at codon 765 is replaced by phenylalanine, an amino acid with highly dissimilar properties. This amino acid position is highly conserved in available vertebrate species. In addition, the in silico prediction for this alteration is inconclusive. Since supporting evidence is limited at this time, the clinical significance of this alteration remains unclear.

Labcorp Genetics (formerly Invitae), Labcorp
Classification: Uncertain significance for Multiple endocrine neoplasia, type 2. Last evaluated: 2025-07-09. Review status: criteria provided, single submitter. Criteria: Invitae Variant Classification Sherloc (09022015). Collection method: clinical testing. Allele origin: germline.
Comment: This sequence change replaces serine, which is neutral and polar, with phenylalanine, which is neutral and non-polar, at codon 765 of the RET protein (p.Ser765Phe). This variant is not present in population databases (gnomAD no frequency). This variant has not been reported in the literature in individuals affected with RET-related conditions. ClinVar contains an entry for this variant (Variation ID: 848847). An algorithm developed to predict the effect of missense changes on protein structure and function (PolyPhen-2) suggests that this variant is likely to be disruptive. In summary, the available evidence is currently insufficient to determine the role of this variant in disease. Therefore, it has been classified as a Variant of Uncertain Significance.

Color Diagnostics, LLC DBA Color Health
Classification: Uncertain significance for Multiple endocrine neoplasia, type 2. Last evaluated: 2025-06-18. Review status: criteria provided, single submitter. Criteria: ACMG Guidelines, 2015. Collection method: clinical testing. Allele origin: germline.
Comment: This missense variant replaces serine with phenylalanine at codon 765 of the RET protein. Computational prediction suggests that this variant may have deleterious impact on protein structure and function. To our knowledge, functional studies have not been reported for this variant. This variant has not been reported in individuals affected with RET-related disorders in the literature. This variant has not been identified in the general population by the Genome Aggregation Database (gnomAD). The available evidence is insufficient to determine the role of this variant in disease conclusively. Therefore, this variant is classified as a Variant of Uncertain Significance.